The following is an entry in ClinVar:

ClinVar aggregate classification (germline): Conflicting classifications of pathogenicity. Review status: criteria provided, conflicting classifications (1 of 4 stars). 5 submissions from 5 submitters: Uncertain significance (1); Likely benign (3). 1 of the submissions does not count toward it. Last evaluated 2026-01-19.

Conditions:
POMT1-related disorder. Also called: POMT1-related disorders; POMT1-related condition.
Muscular dystrophy-dystroglycanopathy (congenital with impaired intellectual development), type B, 1. Also called: Muscular dystrophy-dystroglycanopathy (congenital with intellectual disability), type B1; MUSCULAR DYSTROPHY, CONGENITAL, POMT1-RELATED. Identifiers: MedGen C5436962, MONDO:0013159, OMIM 613155.
Walker-Warburg congenital muscular dystrophy. Also called: Muscular dystrophy-dystroglycanopathy, type A; Walker-Warburg syndrome. Identifiers: Orphanet 899, MedGen C0265221, MONDO:0000171.
Autosomal recessive limb-girdle muscular dystrophy type 2K. Also called: MUSCULAR DYSTROPHY-DYSTROGLYCANOPATHY (LIMB-GIRDLE), TYPE C, 1; MUSCULAR DYSTROPHY, LIMB-GIRDLE, TYPE 2K. Identifiers: Orphanet 86812, MedGen C1836373, MONDO:0012248, OMIM 609308.

Allele frequency attached by ClinVar (database versions not stated): TOPMed 0.00002; ExAC 0.00008; gnomAD 0.00001; gnomAD exomes 0.00007; ESP Exome Variant Server 0.00008.
gnomAD v4.1: 104 of 1,613,662 alleles (0.0064%); highest among the groups gnomAD compares: Middle Eastern, 0.082%; 1 homozygote.

Submissions (5):

Labcorp Genetics (formerly Invitae), Labcorp
Classification: Likely benign for Muscular dystrophy-dystroglycanopathy (congenital with impaired intellectual development), type B, 1; Walker-Warburg congenital muscular dystrophy; Autosomal recessive limb-girdle muscular dystrophy type 2K. Last evaluated: 2026-01-19. Review status: criteria provided, single submitter. Criteria: Invitae Variant Classification Sherloc (09022015). Collection method: clinical testing. Allele origin: germline.

Blueprint Genetics
Classification: Likely benign. Last evaluated: 2024-04-24. Review status: criteria provided, single submitter. Criteria: ACMG Guidelines, 2015. Collection method: clinical testing. Allele origin: germline.

GeneDx
Classification: Likely benign. Last evaluated: 2018-04-09. Review status: criteria provided, single submitter. Criteria: GeneDx Variant Classification Process June 2021. Collection method: clinical testing. Allele origin: germline. Affected: yes.

Eurofins Ntd Llc (ga)
Classification: Uncertain significance. Last evaluated: 2017-12-28. Review status: criteria provided, single submitter. Criteria: EGL Classification Definitions 2015. Collection method: clinical testing. Allele origin: germline. Observed: 1 variant allele, 1 heterozygote.

PreventionGenetics, part of Exact Sciences
Classification: Likely benign for POMT1-related condition. Last evaluated: 2021-05-04. Review status: no assertion criteria provided. Collection method: clinical testing. Allele origin: germline. Not counted in ClinVar's aggregate classification.
Comment: This variant is classified as likely benign based on ACMG/AMP sequence variant interpretation guidelines (Richards et al. 2015 PMID: 25741868, with internal and published modifications).

NM_001077365.2(POMT1):c.1443C>T (p.His481=)

Gene: POMT1 (protein O-mannosyltransferase 1; plus strand). Cytogenetic location: 9q34.13.
Variant type: single nucleotide variant.
Coding change: c.1443C>T on transcript NM_001077365.2 (MANE Select); coding-DNA position 1443, C replaced by T.
Protein change: p.His481=; no amino-acid change (histidine 481 retained).
Molecular consequence: synonymous variant. On other transcripts: non-coding transcript variant (10), intron variant (1).
Genome position (GRCh38, 1-based): chr9:131,518,914, C>T. VCF-style: chr9-131518914-C-T. GRCh37 (hg19) VCF-style: chr9-134394301-C-T.
Other names: c.1281C>T, p.His427= (NM_001077366.2, NM_001353194.2); c.1443C>T, p.His481= (NM_001136113.2); c.1092C>T, p.His364= (NM_001136114.2, NM_001353195.2, NM_001374691.1 and 2 more transcripts); c.1509C>T, p.His503= (NM_001353193.2, NM_007171.4); c.1353C>T, p.His451= (NM_001353196.2); c.1347C>T, p.His449= (NM_001353197.2, NM_001353198.2); c.1158C>T, p.His386= (NM_001353199.2); c.987C>T, p.His329= (NM_001353200.2); and 3 more.
Identifiers: ClinVar variation 379163 (VCV000379163.20), dbSNP rs139415150, ClinGen allele CA5293695.